The following is an entry in ClinVar:

ClinVar aggregate classification (germline): Uncertain significance (1 of 4 stars; one submission).

Allele frequency attached by ClinVar (database versions not stated): ExAC 0.00001; gnomAD 0.00001; gnomAD exomes 0.00001; TOPMed 0.00002.
gnomAD v4.1: 21 of 1,614,068 alleles (0.0013%); highest among the groups gnomAD compares: East Asian, 0.0022%; no homozygotes.

Submission:

Labcorp Genetics (formerly Invitae), Labcorp
Classification: Uncertain significance. Last evaluated: 2022-08-09. Review status: criteria provided, single submitter. Criteria: Invitae Variant Classification Sherloc (09022015). Collection method: clinical testing. Allele origin: germline.
Comment: In summary, the available evidence is currently insufficient to determine the role of this variant in disease. Therefore, it has been classified as a Variant of Uncertain Significance. Algorithms developed to predict the effect of missense changes on protein structure and function are either unavailable or do not agree on the potential impact of this missense change (SIFT: "Deleterious"; PolyPhen-2: "Probably Damaging"; Align-GVGD: "Class C15"). This variant has not been reported in the literature in individuals affected with CELSR2-related conditions. This variant is present in population databases (rs772338483, gnomAD 0.002%). This sequence change replaces leucine, which is neutral and non-polar, with phenylalanine, which is neutral and non-polar, at codon 2022 of the CELSR2 protein (p.Leu2022Phe).

NM_001408.3(CELSR2):c.6064C>T (p.Leu2022Phe)

Gene: CELSR2 (cadherin EGF LAG seven-pass G-type receptor 2; plus strand). Cytogenetic location: 1p13.3.
Variant type: single nucleotide variant.
Coding change: c.6064C>T on transcript NM_001408.3 (MANE Select); coding-DNA position 6064, C replaced by T.
Protein change: p.Leu2022Phe; replaces leucine 2022 with phenylalanine.
Molecular consequence: missense variant.
Genome position (GRCh38, 1-based): chr1:109,267,598, C>T. VCF-style: chr1-109267598-C-T. GRCh37 (hg19) VCF-style: chr1-109810220-C-T.
Other names: short protein forms L2022F.
Identifiers: ClinVar variation 2202830 (VCV002202830.4), dbSNP rs772338483, ClinGen allele CA987757.